The following is an entry in ClinVar:

NM_138927.4(SON):c.5963C>T (p.Pro1988Leu)

Gene: SON (SON DNA and RNA binding protein; plus strand). Cytogenetic location: 21q22.11.
Variant type: single nucleotide variant.
Coding change: c.5963C>T on transcript NM_138927.4 (MANE Select); coding-DNA position 5963, C replaced by T.
Protein change: p.Pro1988Leu; replaces proline 1988 with leucine.
Molecular consequence: missense variant. On other transcripts: non-coding transcript variant (1), intron variant (1).
Genome position (GRCh38, 1-based): chr21:33,555,194, C>T. VCF-style: chr21-33555194-C-T. GRCh37 (hg19) VCF-style: chr21-34927500-C-T.
Other names: c.5963C>T, p.Pro1988Leu (NM_001291411.2, NM_032195.3); c.245-1962C>T (NM_001291412.3); short protein forms P1988L.
Identifiers: ClinVar variation 5017958 (VCV005017958.1).

ClinVar aggregate classification (germline): Uncertain significance (1 of 4 stars; one submission).

Submission:

GeneDx
Classification: Uncertain significance. Last evaluated: 2026-03-30. Review status: criteria provided, single submitter. Criteria: GeneDx Variant Classification Process June 2021. Collection method: clinical testing. Allele origin: germline.
Comment: Not observed at significant frequency in large population cohorts (gnomAD); In silico analysis supports that this missense variant has a deleterious effect on protein structure/function; Has not been previously published as pathogenic or benign to our knowledge